The following is an entry in ClinVar:

NM_001035.3(RYR2):c.7343-12T>A

Gene: RYR2 (ryanodine receptor 2; plus strand). Cytogenetic location: 1q43.
Variant type: single nucleotide variant.
Coding change: c.7343-12T>A on transcript NM_001035.3 (MANE Select); 12 bases into the intron before coding-DNA position 7343, T replaced by A.
Molecular consequence: intron variant.
Genome position (GRCh38, 1-based): chr1:237,648,432, T>A. VCF-style: chr1-237648432-T-A. GRCh37 (hg19) VCF-style: chr1-237811732-T-A.
Other names: c.7343-12T>A (LRG_402t1).
Identifiers: ClinVar variation 513986 (VCV000513986.1), dbSNP rs1237583363, ClinGen allele CA658795635.

ClinVar aggregate classification (germline): Likely benign (1 of 4 stars; one submission).

Submission:

GeneDx
Classification: Likely benign. Last evaluated: 2017-12-13. Review status: criteria provided, single submitter. Criteria: GeneDx Variant Classification (06012015). Collection method: clinical testing. Allele origin: germline. Affected: yes.
Comment: This variant is considered likely benign or benign based on one or more of the following criteria: it is a conservative change, it occurs at a poorly conserved position in the protein, it is predicted to be benign by multiple in silico algorithms, and/or has population frequency not consistent with disease.